The following is an entry in ClinVar:

NM_020335.3(VANGL2):c.801-5C>G

Gene: VANGL2 (VANGL planar cell polarity protein 2; plus strand). Cytogenetic location: 1q23.2.
Variant type: single nucleotide variant.
Coding change: c.801-5C>G on transcript NM_020335.3 (MANE Select); 5 bases into the intron before coding-DNA position 801, C replaced by G.
Molecular consequence: intron variant.
Genome position (GRCh38, 1-based): chr1:160,420,406, C>G. VCF-style: chr1-160420406-C-G. GRCh37 (hg19) VCF-style: chr1-160390196-C-G.
Identifiers: ClinVar variation 489280 (VCV000489280.3), dbSNP rs757715341, ClinGen allele CA1199525.

ClinVar aggregate classification (germline): Uncertain significance (1 of 4 stars; one submission).

gnomAD v4.1: 2 of 1,614,104 alleles (0.00012%); highest among the groups gnomAD compares: South Asian, 0.0022%; no homozygotes.

Submission:

GeneDx
Classification: Uncertain significance. Last evaluated: 2019-12-03. Review status: criteria provided, single submitter. Criteria: GeneDx Variant Classification Process June 2021. Collection method: clinical testing. Allele origin: germline. Affected: yes.
Comment: Not observed in large population cohorts (Lek et al., 2016); Has not been previously published as pathogenic or benign to our knowledge; In-silico analysis, which includes splice predictors and evolutionary conservation, is inconclusive as to whether the variant alters gene splicing. In the absence of RNA/functional studies, the actual effect of this sequence change is unknown.